The following is an entry in ClinVar:

ClinVar aggregate classification (germline): Likely benign. Review status: criteria provided, multiple submitters, no conflicts (2 of 4 stars). 3 submissions from 3 submitters: Likely benign (3). Last evaluated 2025-06-16.

Conditions:
Cortical dysplasia-focal epilepsy syndrome (PTHSL1). Also called: Pitt-Hopkins-like syndrome 1. Identifiers: Orphanet 163681, Orphanet 221150, MedGen C2750246, MONDO:0012400, OMIM 610042.

Allele frequency attached by ClinVar (database versions not stated): gnomAD below 0.00001 and 0.00001; gnomAD exomes 0.00002 and 0.00004; ExAC 0.00004.
gnomAD v4.1: 34 of 1,613,588 alleles (0.0021%); highest among the groups gnomAD compares: South Asian, 0.035%; no homozygotes.

Submissions (3):

Women's Health and Genetics/Laboratory Corporation of America, LabCorp
Classification: Likely benign. Last evaluated: 2025-06-16. Review status: criteria provided, single submitter. Criteria: LabCorp Variant Classification Summary - May 2015. Collection method: clinical testing. Allele origin: germline.

Labcorp Genetics (formerly Invitae), Labcorp
Classification: Likely benign for Cortical dysplasia-focal epilepsy syndrome. Last evaluated: 2022-09-15. Review status: criteria provided, single submitter. Criteria: Invitae Variant Classification Sherloc (09022015). Collection method: clinical testing. Allele origin: germline.

GeneDx
Classification: Likely benign. Last evaluated: 2018-04-13. Review status: criteria provided, single submitter. Criteria: GeneDx Variant Classification (06012015). Collection method: clinical testing. Allele origin: germline. Affected: yes.
Comment: This variant is considered likely benign or benign based on one or more of the following criteria: it is a conservative change, it occurs at a poorly conserved position in the protein, it is predicted to be benign by multiple in silico algorithms, and/or has population frequency not consistent with disease.

NM_014141.6(CNTNAP2):c.1101T>C (p.Ser367=)

Gene: CNTNAP2 (contactin associated protein 2; plus strand). Cytogenetic location: 7q35.
Variant type: single nucleotide variant.
Coding change: c.1101T>C on transcript NM_014141.6 (MANE Select); coding-DNA position 1101, T replaced by C.
Protein change: p.Ser367=; no amino-acid change (serine 367 retained).
Molecular consequence: synonymous variant.
Genome position (GRCh38, 1-based): chr7:147,132,262, T>C. VCF-style: chr7-147132262-T-C. GRCh37 (hg19) VCF-style: chr7-146829354-T-C.
Identifiers: ClinVar variation 681840 (VCV000681840.7), dbSNP rs750626971, ClinGen allele CA4545982.